The following is an entry in ClinVar:

ClinVar aggregate classification (germline): Benign/Likely benign. Review status: criteria provided, multiple submitters, no conflicts (2 of 4 stars). 7 submissions from 7 submitters: Benign (2); Likely benign (3). 2 of the submissions do not count toward it. Last evaluated 2026-01-24.

Conditions:
Imerslund-Grasbeck syndrome type 1 (IGS1). Also called: MEGALOBLASTIC ANEMIA, 1; Megaloblastic anemia 1, Finnish type; Imerslund-Gräsbeck syndrome 1. Identifiers: MedGen C4016819, MONDO:0100156, OMIM 261100.
Imerslund-Grasbeck syndrome. Also called: ENTEROCYTE COBALAMIN MALABSORPTION; ENTEROCYTE INTRINSIC FACTOR RECEPTOR, DEFECT OF; Megaloblastic anemia due to inborn errors of metabolism; PERNICIOUS ANEMIA, JUVENILE, DUE TO SELECTIVE INTESTINAL MALABSORPTION OF VITAMIN B12, WITH PROTEINURIA; Imerslund-Gräsbeck syndrome. Identifiers: Orphanet 35858, MedGen C4551825, MONDO:0009853.

Allele frequency attached by ClinVar (database versions not stated): gnomAD exomes 0.00034 and 0.00093; ExAC 0.00124; gnomAD 0.00363 and 0.00386; ESP Exome Variant Server 0.00408; TOPMed 0.00423; 1000 Genomes Project 30x 0.00437; 1000 Genomes Project 0.00499.
gnomAD v4.1: 1,086 of 1,613,960 alleles (0.067%); highest among the groups gnomAD compares: African/African-American, 1.3%; 5 homozygotes.

Submissions (7):

Labcorp Genetics (formerly Invitae), Labcorp
Classification: Benign for Imerslund-Grasbeck syndrome. Last evaluated: 2026-01-24. Review status: criteria provided, single submitter. Criteria: Invitae Variant Classification Sherloc (09022015). Collection method: clinical testing. Allele origin: germline.

Blueprint Genetics
Classification: Likely benign. Last evaluated: 2024-11-13. Review status: criteria provided, single submitter. Criteria: ACMG Guidelines, 2015. Collection method: clinical testing. Allele origin: germline.

GeneDx
Classification: Likely benign. Last evaluated: 2020-09-26. Review status: criteria provided, single submitter. Criteria: GeneDx Variant Classification Process June 2021. Collection method: clinical testing. Allele origin: germline. Affected: yes.

Illumina Laboratory Services, Illumina
Classification: Benign for Imerslund-Grasbeck syndrome type 1. Last evaluated: 2017-04-27. Review status: criteria provided, single submitter. Criteria: ICSL Variant Classification Criteria 13 December 2019. Collection method: clinical testing. Allele origin: germline.
Comment: This variant was observed as part of a predisposition screen in an ostensibly healthy population. A literature search was performed for the gene, cDNA change, and amino acid change (where applicable). No publications were found based on this search. Allele frequency data from public databases was too high to be consistent with this variant causing disease. Therefore, this variant is classified as benign.

Breakthrough Genomics
Classification: Likely benign. Review status: criteria provided, single submitter. Criteria: ACMG Guidelines, 2015. Collection method: not provided. Allele origin: germline. Inheritance: Autosomal recessive inheritance. Affected: yes.

Clinical Genetics DNA and cytogenetics Diagnostics Lab, Erasmus MC, Erasmus Medical Center
Classification: Benign. Review status: no assertion criteria provided. Collection method: clinical testing. Allele origin: germline. Affected: yes. Study: VKGL Data-share Consensus. Not counted in ClinVar's aggregate classification.

Genome Diagnostics Laboratory, University Medical Center Utrecht
Classification: Benign. Review status: no assertion criteria provided. Collection method: clinical testing. Allele origin: germline. Affected: yes. Study: VKGL Data-share Consensus. Not counted in ClinVar's aggregate classification.

NM_001081.4(CUBN):c.3292G>T (p.Ala1098Ser)

Gene: CUBN (cubilin; minus strand). Cytogenetic location: 10p13.
Variant type: single nucleotide variant.
Coding change: c.3292G>T on transcript NM_001081.4 (MANE Select); coding-DNA position 3292, G replaced by T.
Protein change: p.Ala1098Ser; replaces alanine 1098 with serine.
Molecular consequence: missense variant.
Genome position (GRCh38, 1-based): chr10:17,047,451, C>A on the plus strand (G>T on the coding strand, the complement: CUBN is on the minus strand). VCF-style: chr10-17047451-C-A. GRCh37 (hg19) VCF-style: chr10-17089450-C-A.
Other names: short protein forms A1098S.
Identifiers: ClinVar variation 695483 (VCV000695483.20), dbSNP rs146593010, ClinGen allele CA5424714.